The following is an entry in ClinVar:

ClinVar aggregate classification (germline): Uncertain significance (1 of 4 stars; one submission).

Submission:

Labcorp Genetics (formerly Invitae), Labcorp
Classification: Uncertain significance. Last evaluated: 2023-04-03. Review status: criteria provided, single submitter. Criteria: Invitae Variant Classification Sherloc (09022015). Collection method: clinical testing. Allele origin: germline.
Comment: This sequence change replaces glutamine, which is neutral and polar, with histidine, which is basic and polar, at codon 47 of the SEC61A1 protein (p.Gln47His). This variant also falls at the last nucleotide of exon 3, which is part of the consensus splice site for this exon. This variant is not present in population databases (gnomAD no frequency). This variant has not been reported in the literature in individuals affected with SEC61A1-related conditions. An algorithm developed to predict the effect of missense changes on protein structure and function (PolyPhen-2) suggests that this variant is likely to be tolerated. Variants that disrupt the consensus splice site are a relatively common cause of aberrant splicing (PMID: 17576681, 9536098). In summary, the available evidence is currently insufficient to determine the role of this variant in disease. Therefore, it has been classified as a Variant of Uncertain Significance.

Literature cited by the submitters: PubMed 17576681; PubMed 9536098.

NM_013336.4(SEC61A1):c.141G>C (p.Gln47His)

Gene: SEC61A1 (SEC61 translocon subunit alpha 1; plus strand). Cytogenetic location: 3q21.3.
Variant type: single nucleotide variant.
Coding change: c.141G>C on transcript NM_013336.4 (MANE Select); coding-DNA position 141, G replaced by C.
Protein change: p.Gln47His; replaces glutamine 47 with histidine.
Molecular consequence: missense variant. On other transcripts: 5 prime UTR variant (1).
Genome position (GRCh38, 1-based): chr3:128,055,581, G>C. VCF-style: chr3-128055581-G-C. GRCh37 (hg19) VCF-style: chr3-127774424-G-C.
Other names: c.159G>C, p.Gln53His (NM_001400328.1); c.-19G>C (NM_001400329.1); short protein forms Q53H, Q47H.
Identifiers: ClinVar variation 2851831 (VCV002851831.3), dbSNP rs2473018616, ClinGen allele CA354389446.